The following is an entry in ClinVar:

NM_000219.6(KCNE1):c.117C>G (p.Asp39Glu)

Gene: KCNE1 (potassium voltage-gated channel subfamily E regulatory subunit 1; minus strand). Cytogenetic location: 21q22.12.
Variant type: single nucleotide variant.
Coding change: c.117C>G on transcript NM_000219.6 (MANE Select); coding-DNA position 117, C replaced by G.
Protein change: p.Asp39Glu; replaces aspartic acid 39 with glutamic acid.
Molecular consequence: missense variant.
Genome position (GRCh38, 1-based): chr21:34,449,518, G>C on the plus strand (C>G on the coding strand, the complement: KCNE1 is on the minus strand). VCF-style: chr21-34449518-G-C. GRCh37 (hg19) VCF-style: chr21-35821816-G-C.
Other names: c.117C>G, p.Asp39Glu (NM_001127668.4, NM_001127669.4, NM_001127670.4 and 4 more transcripts); short protein forms D39E.
Identifiers: ClinVar variation 3374090 (VCV003374090.2).

Conditions:
Long QT syndrome 5 (LQT5). Identifiers: Orphanet 101016, Orphanet 768, MedGen C1867904, MONDO:0013372, OMIM 613695.

Submission:

Roden Lab, Vanderbilt University Medical Center
No classification provided (evidence only). Condition: Long QT syndrome 5. Review status: no classification provided. Collection method: in vitro. Allele origin: not applicable. Functional consequence: Effect on ion channel function.
ClinVar note: "not provided" was previously submitted as the classification for the variant. However, the classification appeared to be based only on an observation of functional data so it was converted to no classification on 2025-07-30.